The following is an entry in ClinVar:

ClinVar aggregate classification (germline): Uncertain significance (1 of 4 stars; one submission).

Submission:

GeneDx
Classification: Uncertain significance. Last evaluated: 2025-07-01. Review status: criteria provided, single submitter. Criteria: GeneDx Variant Classification Process June 2021. Collection method: clinical testing. Allele origin: germline. Affected: yes.
Comment: Not observed at significant frequency in large population cohorts (gnomAD); In silico analysis supports that this missense variant has a deleterious effect on protein structure/function; Has not been previously published as pathogenic or benign to our knowledge; Located in one of the three hot-spot regions of the RYR2 gene, where the majority of pathogenic missense variants occur (PMID: 19926015); This variant is associated with the following publications: (PMID: 19926015)

NM_001035.3(RYR2):c.1393C>T (p.Pro465Ser)

Gene: RYR2 (ryanodine receptor 2; plus strand). Cytogenetic location: 1q43.
Variant type: single nucleotide variant.
Coding change: c.1393C>T on transcript NM_001035.3 (MANE Select); coding-DNA position 1393, C replaced by T.
Protein change: p.Pro465Ser; replaces proline 465 with serine.
Molecular consequence: missense variant.
Genome position (GRCh38, 1-based): chr1:237,454,491, C>T. VCF-style: chr1-237454491-C-T. GRCh37 (hg19) VCF-style: chr1-237617791-C-T.
Other names: short protein forms P465S.
Identifiers: ClinVar variation 4681091 (VCV004681091.1).